The following is an entry in ClinVar:

NM_000532.5(PCCB):c.862G>C (p.Val288Leu)

Gene: PCCB (propionyl-CoA carboxylase subunit beta; plus strand). Cytogenetic location: 3q22.3.
Variant type: single nucleotide variant.
Coding change: c.862G>C on transcript NM_000532.5 (MANE Select); coding-DNA position 862, G replaced by C.
Protein change: p.Val288Leu; replaces valine 288 with leucine.
Molecular consequence: missense variant.
Genome position (GRCh38, 1-based): chr3:136,298,050, G>C. VCF-style: chr3-136298050-G-C. GRCh37 (hg19) VCF-style: chr3-136016892-G-C.
Other names: c.922G>C, p.Val308Leu (NM_001178014.2); short protein forms V288L, V308L.
Identifiers: ClinVar variation 440022 (VCV000440022.17), dbSNP rs201984177, ClinGen allele CA2631894.
Genomic context (GRCh38, chr3:136,298,050, plus strand): 5'-TTGTGTAATCTCCGGGATTTCTTCAACTACCTGCCCCTGAGCAGTCAGGACCCGGCTCCC[G>C]TCCGTGAGTGCCACGATCCCAGGTGGGTTGTAGGCCGGTGCACCTTCTCTCATTTTGCAG-3'
Protein context (NP_000523.2, residues 278-298): LPLSSQDPAP[Val288Leu]RECHDPSDRL

ClinVar aggregate classification (germline): Uncertain significance. Review status: criteria provided, multiple submitters, no conflicts (2 of 4 stars). 3 submissions from 3 submitters: Uncertain significance (2). 1 of the submissions does not count toward it. Last evaluated 2021-08-26.

Conditions:
Propionic acidemia (PROP). Also called: GLYCINEMIA, KETOTIC; HYPERGLYCINEMIA WITH KETOACIDOSIS AND LEUKOPENIA; KETOTIC HYPERGLYCINEMIA. Identifiers: Orphanet 35, MedGen C0268579, MONDO:0011628, OMIM 606054, HP:0003571.

Allele frequency attached by ClinVar (database versions not stated): gnomAD 0.00003; 1000 Genomes Project 0.00040; 1000 Genomes Project 30x 0.00062.
gnomAD v4.1: 64 of 1,614,108 alleles (0.004%); highest among the groups gnomAD compares: South Asian, 0.052%; no homozygotes.

Submissions (3):

Labcorp Genetics (formerly Invitae), Labcorp
Classification: Uncertain significance for Propionic acidemia. Last evaluated: 2021-08-26. Review status: criteria provided, single submitter. Criteria: Invitae Variant Classification Sherloc (09022015). Collection method: clinical testing. Allele origin: germline.
Comment: This sequence change replaces valine with leucine at codon 288 of the PCCB protein (p.Val288Leu). The valine residue is weakly conserved and there is a small physicochemical difference between valine and leucine. This variant is present in population databases (rs201984177, ExAC 0.02%). This variant has not been reported in the literature in individuals affected with PCCB-related conditions. ClinVar contains an entry for this variant (Variation ID: 440022). Algorithms developed to predict the effect of missense changes on protein structure and function (SIFT, PolyPhen-2, Align-GVGD) all suggest that this variant is likely to be tolerated. In summary, the available evidence is currently insufficient to determine the role of this variant in disease. Therefore, it has been classified as a Variant of Uncertain Significance.

ARUP Laboratories, Molecular Genetics and Genomics, ARUP Laboratories
Classification: Uncertain significance. Last evaluated: 2016-11-23. Review status: criteria provided, single submitter. Criteria: ARUP Molecular Germline Variant Investigation Process. Collection method: clinical testing. Allele origin: germline.

Natera, Inc.
Classification: Uncertain significance for Propionic acidemia. Last evaluated: 2019-10-28. Review status: no assertion criteria provided. Collection method: clinical testing. Allele origin: germline. Not counted in ClinVar's aggregate classification.